The following is an entry in ClinVar:

ClinVar aggregate classification (germline): Uncertain significance (1 of 4 stars; one submission).

Submission:

GeneDx
Classification: Uncertain significance. Last evaluated: 2024-06-14. Review status: criteria provided, single submitter. Criteria: GeneDx Variant Classification Process June 2021. Collection method: clinical testing. Allele origin: germline. Affected: yes.
Comment: In silico analysis supports that this missense variant has a deleterious effect on protein structure/function; Has not been previously published as pathogenic or benign to our knowledge

NM_139278.4(LGI3):c.1586C>T (p.Ala529Val)

Gene: LGI3 (leucine rich repeat LGI family member 3; minus strand). Cytogenetic location: 8p21.3.
Variant type: single nucleotide variant.
Coding change: c.1586C>T on transcript NM_139278.4 (MANE Select); coding-DNA position 1586, C replaced by T.
Protein change: p.Ala529Val; replaces alanine 529 with valine.
Molecular consequence: missense variant.
Genome position (GRCh38, 1-based): chr8:22,148,221, G>A on the plus strand (C>T on the coding strand, the complement: LGI3 is on the minus strand). VCF-style: chr8-22148221-G-A. GRCh37 (hg19) VCF-style: chr8-22005734-G-A.
Other names: short protein forms A529V.
Identifiers: ClinVar variation 3390417 (VCV003390417.1).